The following is an entry in ClinVar:

NM_003072.5(SMARCA4):c.708_719dup (p.229GP[10])

Gene: SMARCA4 (SWI/SNF related BAF chromatin remodeling complex subunit ATPase 4; plus strand). Cytogenetic location: 19p13.2.
Variant type: Duplication.
Coding change: c.708_719dup on transcript NM_003072.5 (MANE Select); coding-DNA positions 708 to 719, 12 bases duplicated (TGGCCCCGGCCC).
Protein change: p.229GP[10].
Molecular consequence: inframe insertion. On other transcripts: non-coding transcript variant (1).
Genome position (GRCh38, 1-based): chr19:10,986,541-10,986,552, TGGCCCCGGCCC duplicated; duplicating any 12 consecutive bases within chr19:10,986,536-10,986,552 gives the same sequence; the c. name uses the placement nearest the transcript's 3' end. VCF-style (leftmost placement, unchanged base first): chr19-10986535-T-TGGCCCTGGCCCC. GRCh37 (hg19) VCF-style: chr19-11097211-T-TGGCCCTGGCCCC.
Other names: c.708_719dupTGGCCCCGGCCC (NM_001128849.1); c.708_719dup, p.229GP[10] (NM_001128844.3, NM_001128845.2, NM_001128846.2 and 5 more transcripts).
Identifiers: ClinVar variation 470452 (VCV000470452.11), dbSNP rs1555753680, ClinGen allele CA658656750.
Genomic context (GRCh38, chr19:10,986,535, plus strand): 5'-GCAGCAGATGCCAACGCTACCTCCACCCTCGGTGTCCGCAACAGGACCCGGCCCTGGCCC[T>TGGCCCTGGCCCC]GGCCCTGGCCCCGGCCCGGGTCCCGGCCCGGCACCTCCAAATTACAGCAGGCCTCATGGT-3'

ClinVar aggregate classification (germline): Conflicting classifications of pathogenicity. Review status: criteria provided, conflicting classifications (1 of 4 stars). 3 submissions from 3 submitters: Uncertain significance (2); Likely benign (1). Last evaluated 2024-12-04.

Conditions:
Hereditary cancer-predisposing syndrome. Also called: Hereditary neoplastic syndrome; Neoplastic Syndromes, Hereditary; Tumor predisposition; Hereditary Cancer Syndrome. Identifiers: Orphanet 140162, MedGen C0027672, MeSH D009386, MONDO:0015356.
Rhabdoid tumor predisposition syndrome 2 (RTPS2). Identifiers: Orphanet 231108, Orphanet 69077, MedGen C2750074, MONDO:0013224, OMIM 613325.

Submissions (3):

Labcorp Genetics (formerly Invitae), Labcorp
Classification: Uncertain significance for Rhabdoid tumor predisposition syndrome 2. Last evaluated: 2024-12-04. Review status: criteria provided, single submitter. Criteria: Invitae Variant Classification Sherloc (09022015). Collection method: clinical testing. Allele origin: germline.
Comment: This variant, c.708_719dup, results in the insertion of 4 amino acid(s) of the SMARCA4 protein (p.Gly241_Pro244dup), but otherwise preserves the integrity of the reading frame. This variant is not present in population databases (gnomAD no frequency). This variant has not been reported in the literature in individuals affected with SMARCA4-related conditions. ClinVar contains an entry for this variant (Variation ID: 470452). Experimental studies and prediction algorithms are not available or were not evaluated, and the functional significance of this variant is currently unknown. In summary, the available evidence is currently insufficient to determine the role of this variant in disease. Therefore, it has been classified as a Variant of Uncertain Significance.

Ambry Genetics
Classification: Likely benign for Hereditary cancer-predisposing syndrome. Last evaluated: 2023-01-06. Review status: criteria provided, single submitter. Criteria: Ambry Variant Classification Scheme 2023. Collection method: clinical testing. Allele origin: germline.

Sema4
Classification: Uncertain significance for Hereditary cancer-predisposing syndrome. Last evaluated: 2021-05-17. Review status: criteria provided, single submitter. Criteria: Sema4 Curation Guidelines. Collection method: curation. Allele origin: germline.
Comment: The SMARCA4 c.708_719dupTGGCCCCGGCCC (p.G241_P244dup) variant has not been reported in the literature to our knowledge. It was not observed in the large and broad cohorts of the Genome Aggregation Database (PMID: 32461654). The variant has been reported in ClinVar (Variation ID: 470452). The evidence is insufficient to meet ACMG/AMP criteria for classifying the variant as benign or pathogenic. Thus, the clinical significance of this variant is currently uncertain.